The following is an entry in ClinVar:

ClinVar aggregate classification (germline): Conflicting classifications of pathogenicity. Review status: criteria provided, conflicting classifications (1 of 4 stars). 11 submissions from 11 submitters: Uncertain significance (2); Likely benign (6). 3 of the submissions do not count toward it. Last evaluated 2025-12-22.

Conditions:
Cardiovascular phenotype. Identifiers: MedGen CN230736.
PRKAG2-related disorder. Also called: PRKAG2-related condition; PRKAG2-related disorders.
Cardiomyopathy (CMYO). Also called: Cardiomyopathies. Identifiers: Orphanet 167848, MedGen C0878544, MONDO:0004994, HP:0001638. Inheritance: Various modes of inheritance.
Lethal congenital glycogen storage disease of heart. Also called: PHOSPHORYLASE KINASE DEFICIENCY OF HEART; GLYCOGEN STORAGE DISEASE OF HEART. Identifiers: Orphanet 439854, MedGen C1849813, MONDO:0009867, OMIM 261740.

Allele frequency attached by ClinVar (database versions not stated): gnomAD exomes 0.00015; ExAC 0.00025; 1000 Genomes Project 0.00040; 1000 Genomes Project 30x 0.00047; gnomAD 0.00051 and 0.00056; TOPMed 0.00054; ESP Exome Variant Server 0.00092.
gnomAD v4.1: 146 of 1,613,010 alleles (0.0091%); highest among the groups gnomAD compares: African/African-American, 0.15%; no homozygotes.

Submissions (11):

Labcorp Genetics (formerly Invitae), Labcorp
Classification: Likely benign for Lethal congenital glycogen storage disease of heart. Last evaluated: 2025-12-22. Review status: criteria provided, single submitter. Criteria: Invitae Variant Classification Sherloc (09022015). Collection method: clinical testing. Allele origin: germline.

CeGaT Center for Human Genetics Tuebingen
Classification: Likely benign. Last evaluated: 2024-02-01. Review status: criteria provided, single submitter. Criteria: CeGaT Center For Human Genetics Tuebingen Variant Classification Criteria Version 2. Collection method: clinical testing. Allele origin: germline. Affected: yes. Observed: 1 variant allele.
Comment: PRKAG2: BS1

Blueprint Genetics
Classification: Likely benign. Last evaluated: 2024-01-18. Review status: criteria provided, single submitter. Criteria: ACMG Guidelines, 2015. Collection method: clinical testing. Allele origin: germline.

Ambry Genetics
Classification: Likely benign for Cardiovascular phenotype. Last evaluated: 2019-07-26. Review status: criteria provided, single submitter. Criteria: Ambry Variant Classification Scheme 2023. Collection method: clinical testing. Allele origin: germline.

Color Diagnostics, LLC DBA Color Health
Classification: Likely benign for Cardiomyopathy. Last evaluated: 2019-01-11. Review status: criteria provided, single submitter. Criteria: ACMG Guidelines, 2015. Collection method: clinical testing. Allele origin: germline.

GeneDx
Classification: Likely benign. Last evaluated: 2018-02-20. Review status: criteria provided, single submitter. Criteria: GeneDx Variant Classification (06012015). Collection method: clinical testing. Allele origin: germline. Affected: yes.
Comment: This variant is considered likely benign or benign based on one or more of the following criteria: it is a conservative change, it occurs at a poorly conserved position in the protein, it is predicted to be benign by multiple in silico algorithms, and/or has population frequency not consistent with disease.

CHEO Genetics Diagnostic Laboratory, Children's Hospital of Eastern Ontario
Classification: Uncertain significance for Cardiomyopathy. Last evaluated: 2017-03-07. Review status: criteria provided, single submitter. Criteria: ACMG Guidelines, 2015. Collection method: clinical testing. Allele origin: germline. Study: Canadian Open Genetics Repository.

Laboratory for Molecular Medicine, Mass General Brigham Personalized Medicine
Classification: Uncertain significance. Last evaluated: 2013-10-31. Review status: criteria provided, single submitter. Criteria: LMM Criteria. Collection method: clinical testing. Allele origin: germline. Observed: 1 variant allele.
Comment: Variant classified as Uncertain Significance - Favor Benign. The Arg84Trp varian t in PRKAG2 has not been reported in individuals with cardiomyopathy, but has be en identified in 0.2% (11/4402) of African American chromosomes by the NHLBI Exo me Sequencing Project (dbSNP rs61746358). Arg inine (Arg) at position 84 is not conserved in mammals or across evolutionarily distant species, and additional computational analyses (biochemical amino acid p roperties, AlignGVGD, PolyPhen2, and SIFT) do not provide strong support for or against an impact to the protein. Although this data supports that the Arg84Trp variant may be benign, additional studies are needed to fully assess its clinica l significance.

PreventionGenetics, part of Exact Sciences
Classification: Likely benign for PRKAG2-related condition. Last evaluated: 2022-10-31. Review status: no assertion criteria provided. Collection method: clinical testing. Allele origin: germline. Not counted in ClinVar's aggregate classification.
Comment: This variant is classified as likely benign based on ACMG/AMP sequence variant interpretation guidelines (Richards et al. 2015 PMID: 25741868, with internal and published modifications).

Clinical Genetics, Academic Medical Center
Classification: Likely benign. Review status: no assertion criteria provided. Collection method: clinical testing. Allele origin: germline. Affected: yes. Study: VKGL Data-share Consensus. Not counted in ClinVar's aggregate classification.

Diagnostic Laboratory, Department of Genetics, University Medical Center Groningen
Classification: Likely benign. Review status: no assertion criteria provided. Collection method: clinical testing. Allele origin: germline. Affected: yes. Study: VKGL Data-share Consensus. Not counted in ClinVar's aggregate classification.

Literature cited by the submitters: PubMed 28301460 (cited by Ambry Genetics); PubMed 30122538 (cited by Ambry Genetics).

NM_016203.4(PRKAG2):c.250C>T (p.Arg84Trp)

Gene: PRKAG2 (protein kinase AMP-activated non-catalytic subunit gamma 2; minus strand). Cytogenetic location: 7q36.1.
Variant type: single nucleotide variant.
Coding change: c.250C>T on transcript NM_016203.4 (MANE Select); coding-DNA position 250, C replaced by T.
Protein change: p.Arg84Trp; replaces arginine 84 with tryptophan.
Molecular consequence: missense variant.
Genome position (GRCh38, 1-based): chr7:151,781,368, G>A on the plus strand (C>T on the coding strand, the complement: PRKAG2 is on the minus strand). VCF-style: chr7-151781368-G-A. GRCh37 (hg19) VCF-style: chr7-151478454-G-A.
Other names: p.R84W:CGG>TGG; c.118C>T, p.Arg40Trp (NM_001040633.2); short protein forms R84W, R40W.
Identifiers: ClinVar variation 178108 (VCV000178108.51), dbSNP rs61746358, ClinGen allele CA014079.